The following is an entry in ClinVar:

ClinVar aggregate classification (germline): Uncertain significance (1 of 4 stars; one submission).

Allele frequency attached by ClinVar (database versions not stated): gnomAD exomes below 0.00001.

Submission:

Labcorp Genetics (formerly Invitae), Labcorp
Classification: Uncertain significance. Last evaluated: 2023-07-07. Review status: criteria provided, single submitter. Criteria: Invitae Variant Classification Sherloc (09022015). Collection method: clinical testing. Allele origin: germline.
Comment: In summary, the available evidence is currently insufficient to determine the role of this variant in disease. Therefore, it has been classified as a Variant of Uncertain Significance. An algorithm developed to predict the effect of missense changes on protein structure and function (PolyPhen-2) suggests that this variant is likely to be disruptive. ClinVar contains an entry for this variant (Variation ID: 1441418). This variant has not been reported in the literature in individuals affected with DNAJC21-related conditions. This variant is present in population databases (no rsID available, gnomAD 0.01%). This sequence change replaces arginine, which is basic and polar, with glycine, which is neutral and non-polar, at codon 221 of the DNAJC21 protein (p.Arg221Gly).

NM_001012339.3(DNAJC21):c.661C>G (p.Arg221Gly)

Gene: DNAJC21 (DnaJ heat shock protein family (Hsp40) member C21; plus strand). Cytogenetic location: 5p13.2.
Variant type: single nucleotide variant.
Coding change: c.661C>G on transcript NM_001012339.3 (MANE Select); coding-DNA position 661, C replaced by G.
Protein change: p.Arg221Gly; replaces arginine 221 with glycine.
Molecular consequence: missense variant.
Genome position (GRCh38, 1-based): chr5:34,937,548, C>G. VCF-style: chr5-34937548-C-G. GRCh37 (hg19) VCF-style: chr5-34937653-C-G.
Other names: c.661C>G, p.Arg221Gly (NM_001348420.2, NM_194283.4); short protein forms R221G.
Identifiers: ClinVar variation 1441418 (VCV001441418.6), dbSNP rs1420750905, ClinGen allele CA359415534.